The following is an entry in ClinVar:

NM_001130987.2(DYSF):c.1832C>T (p.Ser611Phe)

Gene: DYSF (dysferlin; plus strand). Cytogenetic location: 2p13.2.
Variant type: single nucleotide variant.
Coding change: c.1832C>T on transcript NM_001130987.2 (MANE Select); coding-DNA position 1832, C replaced by T.
Protein change: p.Ser611Phe; replaces serine 611 with phenylalanine.
Molecular consequence: missense variant.
Genome position (GRCh38, 1-based): chr2:71,553,036, C>T. VCF-style: chr2-71553036-C-T. GRCh37 (hg19) VCF-style: chr2-71780166-C-T.
Other names: c.1781C>T, p.Ser594Phe (NM_001130455.2, NM_001130983.2); c.1736C>T, p.Ser579Phe (NM_001130976.2, NM_001130977.2); c.1778C>T, p.Ser593Phe (NM_001130978.2, NM_003494.4); c.1871C>T, p.Ser624Phe (NM_001130979.2); c.1829C>T, p.Ser610Phe (NM_001130980.2, NM_001130981.2); c.1874C>T, p.Ser625Phe (NM_001130982.2); c.1739C>T, p.Ser580Phe (NM_001130984.2, NM_001130986.2); c.1832C>T, p.Ser611Phe (NM_001130985.2); short protein forms S610F, S611F, S580F, S594F, S625F, S593F, S624F, S579F.
Identifiers: ClinVar variation 2189797 (VCV002189797.2), dbSNP rs775055299, ClinGen allele CA1705967.
Genomic context (GRCh38, chr2:71,553,036, plus strand): 5'-CTCCCGTGACCCTCTGGTCTACTCTCTGCTCTCAGAAGTACCTTAGGAGGCGCAAGTACT[C>T]CCTGTTTGCGGCCTTCTACTCAGCCACCATGCTGCAGGATGTGGATGATGCCATCCAGTT-3'
Protein context (NP_001124459.1, residues 601-621): VEKYLRRRKY[Ser611Phe]LFAAFYSATM

ClinVar aggregate classification (germline): Uncertain significance (1 of 4 stars; one submission).

Conditions:
Neuromuscular disease caused by qualitative or quantitative defects of dysferlin. Also called: Dysferlinopathy; Qualitative or quantitative defects of dysferlin. Identifiers: Orphanet 207073, MedGen C2931687, MONDO:0016145.

Allele frequency attached by ClinVar (database versions not stated): ExAC 0.00001; gnomAD 0.00001; gnomAD exomes 0.00001; TOPMed 0.00001.
gnomAD v4.1: 12 of 1,614,056 alleles (0.00074%); highest among the groups gnomAD compares: Non-Finnish European, 0.00085%; no homozygotes.

Submission:

Labcorp Genetics (formerly Invitae), Labcorp
Classification: Uncertain significance for Neuromuscular disease caused by qualitative or quantitative defects of dysferlin. Last evaluated: 2025-08-04. Review status: criteria provided, single submitter. Criteria: Invitae Variant Classification Sherloc (09022015). Collection method: clinical testing. Allele origin: germline.
Comment: This sequence change replaces serine, which is neutral and polar, with phenylalanine, which is neutral and non-polar, at codon 593 of the DYSF protein (p.Ser593Phe). This variant is present in population databases (rs775055299, gnomAD 0.0009%). This variant has not been reported in the literature in individuals affected with DYSF-related conditions. ClinVar contains an entry for this variant (Variation ID: 2189797). Invitae Evidence Modeling of protein sequence and biophysical properties (such as structural, functional, and spatial information, amino acid conservation, physicochemical variation, residue mobility, and thermodynamic stability) indicates that this missense variant is not expected to disrupt DYSF protein function with a negative predictive value of 95%. In summary, the available evidence is currently insufficient to determine the role of this variant in disease. Therefore, it has been classified as a Variant of Uncertain Significance.